The following is an entry in ClinVar:

ClinVar aggregate classification (germline): Uncertain significance (1 of 4 stars; one submission).

Conditions:
Autosomal dominant nonsyndromic hearing loss 1. Also called: DEAFNESS, AUTOSOMAL DOMINANT 1, WITH OR WITHOUT THROMBOCYTOPENIA; KONIGSMARK SYNDROME. Identifiers: Orphanet 90635, MedGen C1852282, MONDO:0007424, OMIM 124900.
Progressive microcephaly-seizures-cortical blindness-developmental delay syndrome. Also called: Seizures, cortical blindness, and microcephaly syndrome. Identifiers: Orphanet 477814, MedGen C5567650, MONDO:0014714, OMIM 616632.

Allele frequency attached by ClinVar (database versions not stated): gnomAD exomes 0.00001.
gnomAD v4.1: 3 of 1,614,058 alleles (0.00019%); highest among the groups gnomAD compares: South Asian, 0.0033%; no homozygotes.

Submission:

Labcorp Genetics (formerly Invitae), Labcorp
Classification: Uncertain significance for Progressive microcephaly-seizures-cortical blindness-developmental delay syndrome; Autosomal dominant nonsyndromic hearing loss 1. Last evaluated: 2023-12-07. Review status: criteria provided, single submitter. Criteria: Invitae Variant Classification Sherloc (09022015). Collection method: clinical testing. Allele origin: germline.
Comment: This sequence change replaces glutamic acid, which is acidic and polar, with glycine, which is neutral and non-polar, at codon 407 of the DIAPH1 protein (p.Glu407Gly). This variant is not present in population databases (gnomAD no frequency). This variant has not been reported in the literature in individuals affected with DIAPH1-related conditions. Experimental studies and prediction algorithms are not available or were not evaluated, and the functional significance of this variant is currently unknown. Algorithms developed to predict the effect of sequence changes on RNA splicing suggest that this variant may disrupt the consensus splice site. In summary, the available evidence is currently insufficient to determine the role of this variant in disease. Therefore, it has been classified as a Variant of Uncertain Significance.

NM_005219.5(DIAPH1):c.1220A>G (p.Glu407Gly)

Gene: DIAPH1 (diaphanous related formin 1; minus strand). Cytogenetic location: 5q31.3.
Variant type: single nucleotide variant.
Coding change: c.1220A>G on transcript NM_005219.5 (MANE Select); coding-DNA position 1220, A replaced by G.
Protein change: p.Glu407Gly; replaces glutamic acid 407 with glycine.
Molecular consequence: missense variant.
Genome position (GRCh38, 1-based): chr5:141,577,535, T>C on the plus strand (A>G on the coding strand, the complement: DIAPH1 is on the minus strand). VCF-style: chr5-141577535-T-C. GRCh37 (hg19) VCF-style: chr5-140957102-T-C.
Other names: c.1193A>G, p.Glu398Gly (NM_001079812.3); c.1220A>G, p.Glu407Gly (NM_001314007.2); short protein forms E407G, E398G.
Identifiers: ClinVar variation 2954432 (VCV002954432.3), dbSNP rs2513754624, ClinGen allele CA361528987.